The following is an entry in ClinVar:

NM_006648.4(WNK2):c.1686C>G (p.Asp562Glu)

Gene: WNK2 (WNK lysine deficient protein kinase 2; plus strand). Cytogenetic location: 9q22.31.
Variant type: single nucleotide variant.
Coding change: c.1686C>G on transcript NM_006648.4 (MANE Select); coding-DNA position 1686, C replaced by G.
Protein change: p.Asp562Glu; replaces aspartic acid 562 with glutamic acid.
Molecular consequence: missense variant.
Genome position (GRCh38, 1-based): chr9:93,247,686, C>G. VCF-style: chr9-93247686-C-G. GRCh37 (hg19) VCF-style: chr9-96009968-C-G.
Other names: c.1686C>G, p.Asp562Glu (NM_001282394.3); short protein forms D562E.
Identifiers: ClinVar variation 3470295 (VCV003470295.1).

ClinVar aggregate classification (germline): Uncertain significance (1 of 4 stars; one submission).

gnomAD v4.1: 6 of 1,572,404 alleles (0.00038%); highest among the groups gnomAD compares: African/African-American, 0.0054%; no homozygotes.

Submission:

Ambry Genetics
Classification: Uncertain significance. Last evaluated: 2024-11-22. Review status: criteria provided, single submitter. Criteria: Ambry Variant Classification Scheme 2023. Collection method: clinical testing. Allele origin: germline.
Comment: The p.D562E variant (also known as c.1686C>G), located in coding exon 7 of the WNK2 gene, results from a C to G substitution at nucleotide position 1686. The aspartic acid at codon 562 is replaced by glutamic acid, an amino acid with highly similar properties. This amino acid position is conserved. In addition, this alteration is predicted to be tolerated by in silico analysis. Based on the available evidence, the clinical significance of this variant remains unclear.